The following is an entry in ClinVar:

NM_004736.4(XPR1):c.222A>G (p.Ser74=)

Gene: XPR1 (xenotropic and polytropic retrovirus receptor 1; plus strand). Cytogenetic location: 1q25.3.
Variant type: single nucleotide variant.
Coding change: c.222A>G on transcript NM_004736.4 (MANE Select); coding-DNA position 222, A replaced by G.
Protein change: p.Ser74=; no amino-acid change (serine 74 retained).
Molecular consequence: synonymous variant. On other transcripts: non-coding transcript variant (1).
Genome position (GRCh38, 1-based): chr1:180,787,853, A>G. VCF-style: chr1-180787853-A-G. GRCh37 (hg19) VCF-style: chr1-180756989-A-G.
Other names: c.222A>G, p.Ser74= (NM_001135669.2, NM_001328662.2).
Identifiers: ClinVar variation 2192571 (VCV002192571.5), dbSNP rs370177151, ClinGen allele CA1272491.
Genomic context (GRCh38, chr1:180,787,853, plus strand): 5'-TGAAGAGAAGTTTTTCCAAACCTGTGAAAAAGAACTTGCCAAAATCAACACATTTTATTC[A>G]GGTGAGTAATTAAGAGACTTTTTTTTTTGCTGCCGGGGAAGGATAAATTGTACCATATCA-3'
Protein context (NP_004727.2, residues 64-84): KELAKINTFY[Ser74=]EKLAEAQRRF

ClinVar aggregate classification (germline): Uncertain significance (1 of 4 stars; one submission).

Allele frequency attached by ClinVar (database versions not stated): gnomAD exomes 0.00004; TOPMed 0.00005; gnomAD 0.00007; ESP Exome Variant Server 0.00008; ExAC 0.00010.
gnomAD v4.1: 67 of 1,604,740 alleles (0.0042%); highest among the groups gnomAD compares: Non-Finnish European, 0.0054%; no homozygotes.

Submissions (2):

Labcorp Genetics (formerly Invitae), Labcorp
Classification: Uncertain significance. Last evaluated: 2024-06-11. Review status: criteria provided, single submitter. Criteria: Invitae Variant Classification Sherloc (09022015). Collection method: clinical testing. Allele origin: germline.
Comment: This sequence change affects codon 74 of the XPR1 mRNA. It is a 'silent' change, meaning that it does not change the encoded amino acid sequence of the XPR1 protein. It affects a nucleotide within the consensus splice site. This variant is present in population databases (rs370177151, gnomAD 0.01%). This variant has not been reported in the literature in individuals affected with XPR1-related conditions. ClinVar contains an entry for this variant (Variation ID: 2192571). Algorithms developed to predict the effect of sequence changes on RNA splicing suggest that this variant is not likely to affect RNA splicing. In summary, the available evidence is currently insufficient to determine the role of this variant in disease. Therefore, it has been classified as a Variant of Uncertain Significance.

Dr. Peter K. Rogan Lab, Western University
No classification provided (evidence only). Condition: Uterine corpus endometrial carcinoma. Review status: no classification provided. Collection method: in vitro. Allele origin: not applicable. Functional consequence: retained intron. Not counted in ClinVar's aggregate classification.